The following is an entry in ClinVar:

NM_000481.4(AMT):c.794G>A (p.Arg265His)

Gene: AMT (aminomethyltransferase; minus strand). Cytogenetic location: 3p21.31.
Variant type: single nucleotide variant.
Coding change: c.794G>A on transcript NM_000481.4 (MANE Select); coding-DNA position 794, G replaced by A.
Protein change: p.Arg265His; replaces arginine 265 with histidine.
Molecular consequence: missense variant. On other transcripts: non-coding transcript variant (1).
Genome position (GRCh38, 1-based): chr3:49,419,054, C>T on the plus strand (G>A on the coding strand, the complement: AMT is on the minus strand). VCF-style: chr3-49419054-C-T. GRCh37 (hg19) VCF-style: chr3-49456487-C-T.
Other names: c.662G>A, p.Arg221His (NM_001164710.2); c.626G>A, p.Arg209His (NM_001164711.2); c.794G>A, p.Arg265His (NM_001164712.2); c.794G>A (NM_001164712.1); short protein forms R265H, R209H, R221H.
Identifiers: ClinVar variation 550886 (VCV000550886.19), dbSNP rs757918826, ClinGen allele CA2398236.

ClinVar aggregate classification (germline): Pathogenic/Likely pathogenic. Review status: criteria provided, multiple submitters, no conflicts (2 of 4 stars). 9 submissions from 9 submitters: Pathogenic (5); Likely pathogenic (3). 1 of the submissions does not count toward it. Last evaluated 2026-05-23.

Conditions:
Glycine encephalopathy 1 (GCE1). Identifiers: MedGen CN376801, MONDO:0958179, OMIM 605899.
Glycine encephalopathy. Also called: Nonketotic hyperglycinemia; Non-ketotic hyperglycinemia. Identifiers: Orphanet 407, MedGen C0751748, MONDO:0011612, HP:0008288.
AMT-related disorder. Also called: AMT-related condition.
Glycine encephalopathy 2 (GCE2). Identifiers: MedGen C5830559, MONDO:0958192, OMIM 620398.

Allele frequency attached by ClinVar (database versions not stated): gnomAD exomes 0.00001 and 0.00002; ExAC 0.00002; gnomAD 0.00002 and 0.00003; TOPMed 0.00002.
gnomAD v4.1: 23 of 1,613,960 alleles (0.0014%); highest among the groups gnomAD compares: Admixed American, 0.01%; no homozygotes.

Submissions (9):

PreventionGenetics, part of Exact Sciences
Classification: Pathogenic for AMT-related condition. Last evaluated: 2026-05-23. Review status: criteria provided, single submitter. Criteria: ACMG Guidelines, 2015. Collection method: clinical testing. Allele origin: germline.
Comment: The AMT c.794G>A variant is predicted to result in the amino acid substitution p.Arg265His. This variant has been reported in the homozygous or compound heterozygous state in multiple individuals with glycine encephalopathy (Azize et al. 2014. PubMed ID: 25231368; Coughlin et al. 2016. PubMed ID: 27362913). This variant is reported in 0.0098% of alleles in individuals of South Asian descent in gnomAD. An alternate missense change at this amino acid position (p.Arg265Cys) has also been reported to be pathogenic (Belcastro et al. 2015. PubMed ID: 26371980). This variant is interpreted as pathogenic.

3billion
Classification: Likely pathogenic for Glycine encephalopathy 2. Last evaluated: 2025-11-28. Review status: criteria provided, single submitter. Criteria: ACMG Guidelines, 2015. Collection method: clinical testing. Allele origin: germline. Affected: yes.
Comment: The variant is observed at an extremely low frequency in the gnomAD v4.1.0 dataset (total allele frequency: 0.001%). Predicted Consequence/Location: Missense variant In silico tool predictions suggest damaging effect of the variant on gene or gene product [REVEL: 0.99 (>=0.6, sensitivity 0.68 and specificity 0.92); 3Cnet: 0.99 (> 0.75, sensitivity 0.96 and precision 0.92)]. The same nucleotide change resulting in the same amino acid change has been previously reported as pathogenic/likely pathogenic with strong evidence (ClinVar ID: VCV000550886 /PMID: 25231368 /3billion dataset). A different missense change at the same codon (p.Arg265Cys) has been reported as pathogenic/likely pathogenic with strong evidence (ClinVar ID: VCV000556661 /PMID: 26371980 /3billion dataset). Therefore, this variant is classified as Likely pathogenic according to the recommendation of ACMG/AMP guideline.

Natera, Inc.
Classification: Pathogenic for Non-ketotic hyperglycinemia. Last evaluated: 2025-05-02. Review status: criteria provided, single submitter. Criteria: Natera Variant Classification Schema (03/2026). Collection method: clinical testing. Allele origin: germline.
Comment: The c.794G>A variant in AMT is a missense variant predicted to cause substitution of arginine to histidine at amino acid 265. This variant is rare in the general population with a frequency below the threshold expected for the associated phenotype(s). This variant has been observed in one or more individuals affected with the associated recessive disease, as either homozygous or compound heterozygous with a second variant (PMID: 27362913). Computational prediction algorithms indicate this variant is likely to affect gene or protein function. Given the available evidence, this variant is classified as Pathogenic.

Labcorp Genetics (formerly Invitae), Labcorp
Classification: Pathogenic for Glycine encephalopathy. Last evaluated: 2025-03-03. Review status: criteria provided, single submitter. Criteria: Invitae Variant Classification Sherloc (09022015). Collection method: clinical testing. Allele origin: germline.
Comment: This sequence change replaces arginine, which is basic and polar, with histidine, which is basic and polar, at codon 265 of the AMT protein (p.Arg265His). This variant is present in population databases (rs757918826, gnomAD 0.01%). This missense change has been observed in individual(s) with glycine encephalopathy (PMID: 27362913). In at least one individual the data is consistent with being in trans (on the opposite chromosome) from a pathogenic variant. ClinVar contains an entry for this variant (Variation ID: 550886). Invitae Evidence Modeling of protein sequence and biophysical properties (such as structural, functional, and spatial information, amino acid conservation, physicochemical variation, residue mobility, and thermodynamic stability) indicates that this missense variant is expected to disrupt AMT protein function with a positive predictive value of 95%. This variant disrupts the p.Arg265 amino acid residue in AMT. Other variant(s) that disrupt this residue have been observed in individuals with AMT-related conditions (PMID: 26371980, 27362913), which suggests that this may be a clinically significant amino acid residue. For these reasons, this variant has been classified as Pathogenic.

Women's Health and Genetics/Laboratory Corporation of America, LabCorp
Classification: Pathogenic for Glycine encephalopathy. Last evaluated: 2024-05-16. Review status: criteria provided, single submitter. Criteria: LabCorp Variant Classification Summary - May 2015. Collection method: clinical testing. Allele origin: germline.
Comment: Variant summary: AMT c.794G>A (p.Arg265His) results in a non-conservative amino acid change located in the Aminomethyltransferase, folate-binding domain (IPR006222) of the encoded protein sequence. Five of five in-silico tools predict a damaging effect of the variant on protein function. The variant allele was found at a frequency of 1.6e-05 in 251324 control chromosomes. c.794G>A has been reported in the literature in multiple bi-alleleic individuals affected with Glycine Encephalopathy (Non-Ketotic Hyperglycinemia) (examples: Azize_2014, Coughlin_2017). These data indicate that the variant is very likely to be associated with disease. The following publications have been ascertained in the context of this evaluation (PMID: 25231368, 27362913). ClinVar contains an entry for this variant (Variation ID: 550886). Based on the evidence outlined above, the variant was classified as pathogenic.

Baylor Genetics
Classification: Likely pathogenic for Glycine encephalopathy 1. Last evaluated: 2023-01-15. Review status: criteria provided, single submitter. Criteria: ACMG Guidelines, 2015. Collection method: clinical testing. Allele origin: unknown.

GeneDx
Classification: Pathogenic. Last evaluated: 2022-06-15. Review status: criteria provided, single submitter. Criteria: GeneDx Variant Classification Process June 2021. Collection method: clinical testing. Allele origin: germline. Affected: yes.
Comment: Not observed at significant frequency in large population cohorts (gnomAD); In silico analysis supports that this missense variant has a deleterious effect on protein structure/function; This variant is associated with the following publications: (PMID: 27362913, 25231368, 27535533)

Revvity Omics, Revvity
Classification: Likely pathogenic for Glycine encephalopathy 2. Last evaluated: 2021-11-19. Review status: criteria provided, single submitter. Criteria: ACMG Guidelines, 2015. Collection method: clinical testing. Allele origin: germline.

Counsyl
Classification: Likely pathogenic for Glycine encephalopathy 1. Last evaluated: 2017-03-15. Review status: no assertion criteria provided. Collection method: clinical testing. Allele origin: unknown. Not counted in ClinVar's aggregate classification.

Literature cited by the submitters: PubMed 25231368 (cited by 3 submitters); PubMed 26371980 (cited by 3billion and Labcorp Genetics (formerly Invitae), Labcorp); PubMed 27362913 (cited by 3 submitters).